The following is an entry in ClinVar:

NM_005530.3(IDH3A):c.8G>T (p.Gly3Val)

Genes: IDH3A (isocitrate dehydrogenase (NAD(+)) 3 catalytic subunit alpha; plus strand), LOC130057684 (ATAC-STARR-seq lymphoblastoid silent region 6706; plus strand). Cytogenetic location: 15q25.1.
Variant type: single nucleotide variant.
Coding change: c.8G>T on transcript NM_005530.3 (MANE Select); coding-DNA position 8, G replaced by T.
Protein change: p.Gly3Val; replaces glycine 3 with valine.
Molecular consequence: missense variant.
Genome position (GRCh38, 1-based): chr15:78,149,411, G>T. VCF-style: chr15-78149411-G-T. GRCh37 (hg19) VCF-style: chr15-78441753-G-T.
Other names: short protein forms G3V.
Identifiers: ClinVar variation 1369530 (VCV001369530.8), dbSNP rs566096249, ClinGen allele CA7680423.

ClinVar aggregate classification (germline): Uncertain significance (1 of 4 stars; one submission).

Allele frequency attached by ClinVar (database versions not stated): gnomAD exomes below 0.00001; gnomAD 0.00001; ExAC 0.00003; 1000 Genomes Project 30x 0.00016; 1000 Genomes Project 0.00020.
gnomAD v4.1: 7 of 1,552,722 alleles (0.00045%); highest among the groups gnomAD compares: South Asian, 0.0059%; no homozygotes.

Submission:

Labcorp Genetics (formerly Invitae), Labcorp
Classification: Uncertain significance. Last evaluated: 2022-10-01. Review status: criteria provided, single submitter. Criteria: Invitae Variant Classification Sherloc (09022015). Collection method: clinical testing. Allele origin: germline.
Comment: The frequency data for this variant in the population databases is considered unreliable, as metrics indicate poor data quality at this position in the gnomAD database. This sequence change replaces glycine, which is neutral and non-polar, with valine, which is neutral and non-polar, at codon 3 of the IDH3A protein (p.Gly3Val). This variant has not been reported in the literature in individuals affected with IDH3A-related conditions. ClinVar contains an entry for this variant (Variation ID: 1369530). Algorithms developed to predict the effect of missense changes on protein structure and function (SIFT, PolyPhen-2, Align-GVGD) all suggest that this variant is likely to be tolerated. In summary, the available evidence is currently insufficient to determine the role of this variant in disease. Therefore, it has been classified as a Variant of Uncertain Significance.